The following is an entry in ClinVar:

NM_000268.4(NF2):c.1645T>A (p.Leu549Met)

Gene: NF2 (NF2, moesin-ezrin-radixin like (MERLIN) tumor suppressor; plus strand). Cytogenetic location: 22q12.2.
Variant type: single nucleotide variant.
Coding change: c.1645T>A on transcript NM_000268.4 (MANE Select); coding-DNA position 1645, T replaced by A.
Protein change: p.Leu549Met; replaces leucine 549 with methionine.
Molecular consequence: missense variant. On other transcripts: intron variant (3).
Genome position (GRCh38, 1-based): chr22:29,681,509, T>A. VCF-style: chr22-29681509-T-A. GRCh37 (hg19) VCF-style: chr22-30077498-T-A.
Other names: c.1396T>A, p.Leu466Met (NM_181831.3, NM_001407063.1, NM_181830.3); c.1645T>A, p.Leu549Met (NM_181832.3, NM_001407066.1, NM_016418.5 and 1 more transcripts); c.1574+3186T>A (NM_001407060.1); c.448-13243T>A (NM_181833.3); c.1325+3186T>A (NM_001407064.1); c.1531T>A, p.Leu511Met (NM_001407053.1, NM_001407056.1); c.1522T>A, p.Leu508Met (NM_001407054.1, NM_001407058.1, NM_181829.3); c.1519T>A, p.Leu507Met (NM_001407055.1, NM_181828.3); and 4 more; short protein forms L371M, L466M, L507M, L504M, L508M, L511M, L549M, L463M.
Identifiers: ClinVar variation 4825427 (VCV004825427.1).

ClinVar aggregate classification (germline): Uncertain significance (1 of 4 stars; one submission).

Conditions:
Hereditary cancer-predisposing syndrome. Also called: Neoplastic Syndromes, Hereditary; Tumor predisposition; Hereditary Cancer Syndrome; Hereditary neoplastic syndrome. Identifiers: Orphanet 140162, MedGen C0027672, MeSH D009386, MONDO:0015356.

Submission:

Ambry Genetics
Classification: Uncertain significance for Hereditary cancer-predisposing syndrome. Last evaluated: 2026-01-21. Review status: criteria provided, single submitter. Criteria: Ambry Variant Classification Scheme 2023. Collection method: clinical testing. Allele origin: germline.
Comment: The p.L549M variant (also known as c.1645T>A), located in coding exon 15 of the NF2 gene, results from a T to A substitution at nucleotide position 1645. The leucine at codon 549 is replaced by methionine, an amino acid with highly similar properties. This amino acid position is conserved. In addition, this alteration is predicted to be tolerated by in silico analysis. Based on the available evidence, the clinical significance of this variant remains unclear.